The following is an entry in ClinVar:

ClinVar aggregate classification (germline): Likely benign. Review status: criteria provided, multiple submitters, no conflicts (2 of 4 stars). 2 submissions from 2 submitters: Likely benign (2). Last evaluated 2026-07-01.

Conditions:
Autosomal recessive spinocerebellar ataxia 12. Also called: SPINOCEREBELLAR ATAXIA WITH MENTAL RETARDATION AND EPILEPSY. Identifiers: Orphanet 284282, MedGen C3280452, MONDO:0013687, OMIM 614322.
Developmental and epileptic encephalopathy, 1 (DEE1). Also called: X-linked infantile spasms; West's syndrome; Tonic spasms with clustering, arrest of psychomotor development and hypsarrhythmia on EEG; X-Linked Infantile Spasm Syndrome; OHTAHARA SYNDROME, X-LINKED; INFANTILE SPASM SYNDROME, X-LINKED 1. Identifiers: MedGen C3463992, MONDO:0010632, OMIM 308350. Disease mechanism: loss of function.

Allele frequency attached by ClinVar (database versions not stated): gnomAD exomes below 0.00001; gnomAD 0.00001; TOPMed 0.00003.
gnomAD v4.1: 7 of 1,613,876 alleles (0.00043%); highest among the groups gnomAD compares: African/African-American, 0.008%; no homozygotes.

Submissions (2):

CeGaT Center for Human Genetics Tuebingen
Classification: Likely benign. Last evaluated: 2026-07-01. Review status: criteria provided, single submitter. Criteria: CeGaT Center For Human Genetics Tuebingen Variant Classification Criteria Version 2. Collection method: clinical testing. Allele origin: germline. Affected: yes. Observed: 1 variant allele.
Comment: WWOX: BP4

Labcorp Genetics (formerly Invitae), Labcorp
Classification: Likely benign for Developmental and epileptic encephalopathy, 1; Autosomal recessive spinocerebellar ataxia 12. Last evaluated: 2025-07-27. Review status: criteria provided, single submitter. Criteria: Invitae Variant Classification Sherloc (09022015). Collection method: clinical testing. Allele origin: germline.

NM_016373.4(WWOX):c.231-6G>T

Gene: WWOX (WW domain containing oxidoreductase; plus strand). Cytogenetic location: 16q23.1.
Variant type: single nucleotide variant.
Coding change: c.231-6G>T on transcript NM_016373.4 (MANE Select); 6 bases into the intron before coding-DNA position 231, G replaced by T.
Molecular consequence: intron variant.
Genome position (GRCh38, 1-based): chr16:78,114,970, G>T. VCF-style: chr16-78114970-G-T. GRCh37 (hg19) VCF-style: chr16-78148867-G-T.
Other names: c.-109-6G>T (NM_001291997.2); c.231-6G>T (NM_130791.5).
Identifiers: ClinVar variation 1095610 (VCV001095610.10), dbSNP rs987981847, ClinGen allele CA284523006.